The following is an entry in ClinVar:

NM_001447.3(FAT2):c.6617A>G (p.Asn2206Ser)

Genes: FAT2 (FAT atypical cadherin 2; minus strand), SLC36A1 (solute carrier family 36 member 1; plus strand). Cytogenetic location: 5q33.1.
Variant type: single nucleotide variant.
Coding change: c.6617A>G on transcript NM_001447.3 (MANE Select); coding-DNA position 6617, A replaced by G.
Protein change: p.Asn2206Ser; replaces asparagine 2206 with serine.
Molecular consequence: missense variant.
Genome position (GRCh38, 1-based): chr5:151,544,510, T>C on the plus strand (A>G on the coding strand, the complement: FAT2 is on the minus strand). VCF-style: chr5-151544510-T-C. GRCh37 (hg19) VCF-style: chr5-150924071-T-C.
Other names: short protein forms N2206S.
Identifiers: ClinVar variation 2191085 (VCV002191085.4), dbSNP rs758168313, ClinGen allele CA3521077.

ClinVar aggregate classification (germline): Uncertain significance (1 of 4 stars; one submission).

Allele frequency attached by ClinVar (database versions not stated): gnomAD 0.00001; gnomAD exomes 0.00002; TOPMed 0.00002; ExAC 0.00006.
gnomAD v4.1: 24 of 1,613,912 alleles (0.0015%); highest among the groups gnomAD compares: Admixed American, 0.037%; no homozygotes.

Submission:

Labcorp Genetics (formerly Invitae), Labcorp
Classification: Uncertain significance. Last evaluated: 2023-08-17. Review status: criteria provided, single submitter. Criteria: Invitae Variant Classification Sherloc (09022015). Collection method: clinical testing. Allele origin: germline.
Comment: This sequence change replaces asparagine, which is neutral and polar, with serine, which is neutral and polar, at codon 2206 of the FAT2 protein (p.Asn2206Ser). This variant is present in population databases (rs758168313, gnomAD 0.06%), and has an allele count higher than expected for a pathogenic variant. This variant has not been reported in the literature in individuals affected with FAT2-related conditions. ClinVar contains an entry for this variant (Variation ID: 2191085). Advanced modeling of protein sequence and biophysical properties (such as structural, functional, and spatial information, amino acid conservation, physicochemical variation, residue mobility, and thermodynamic stability) performed at Invitae indicates that this missense variant is not expected to disrupt FAT2 protein function. In summary, the available evidence is currently insufficient to determine the role of this variant in disease. Therefore, it has been classified as a Variant of Uncertain Significance.